The following is an entry in ClinVar:

ClinVar aggregate classification (germline): Uncertain significance (1 of 4 stars; one submission).

Conditions:
Autosomal recessive limb-girdle muscular dystrophy type R18 (LGMDR18). Also called: MUSCULAR DYSTROPHY, LIMB-GIRDLE, AUTOSOMAL RECESSIVE 18; Autosomal recessive limb-girdle muscular dystrophy type 2S; Limb-girdle muscular dystrophy, type 2S. Identifiers: Orphanet 369840, MedGen C4517996, MONDO:0014144, OMIM 615356.

Submission:

Labcorp Genetics (formerly Invitae), Labcorp
Classification: Uncertain significance for Autosomal recessive limb-girdle muscular dystrophy type R18. Last evaluated: 2020-02-18. Review status: criteria provided, single submitter. Criteria: Invitae Variant Classification Sherloc (09022015). Collection method: clinical testing. Allele origin: germline.
Comment: In summary, the available evidence is currently insufficient to determine the role of this variant in disease. Therefore, it has been classified as a Variant of Uncertain Significance. Experimental studies and prediction algorithms are not available or were not evaluated, and the functional significance of this variant is currently unknown. This variant has not been reported in the literature in individuals with TRAPPC11-related conditions. This variant is not present in population databases (ExAC no frequency). This variant, c.2782_2784del, results in the deletion of 1 amino acid(s) of the TRAPPC11 protein (p.Val928del), but otherwise preserves the integrity of the reading frame.

NM_021942.6(TRAPPC11):c.2782_2784del (p.Val928del)

Gene: TRAPPC11 (trafficking protein particle complex subunit 11; plus strand). Cytogenetic location: 4q35.1.
Variant type: Deletion.
Coding change: c.2782_2784del on transcript NM_021942.6 (MANE Select); coding-DNA positions 2782 to 2784, 3 bases deleted (GTT; older notation c.2782_2784delGTT).
Protein change: p.Val928del; deletes valine 928.
Molecular consequence: inframe deletion.
Genome position (GRCh38, 1-based): chr4:183,697,766-183,697,768, GTT deleted; deleting any 3 consecutive bases within chr4:183,697,764-183,697,768 gives the same sequence; the c. name uses the placement nearest the transcript's 3' end. VCF-style (leftmost placement, unchanged base first): chr4-183697763-ATTG-A. GRCh37 (hg19) VCF-style: chr4-184618916-ATTG-A.
Other names: c.2782_2784del, p.Val928del (NM_199053.3); short protein forms V928del.
Identifiers: ClinVar variation 1060921 (VCV001060921.8), dbSNP rs1736612141, ClinGen allele CA1518739980.